The following is an entry in ClinVar:

ClinVar aggregate classification (germline): Uncertain significance (1 of 4 stars; one submission).

Submission:

Ambry Genetics
Classification: Uncertain significance. Last evaluated: 2024-05-16. Review status: criteria provided, single submitter. Criteria: Ambry Variant Classification Scheme 2023. Collection method: clinical testing. Allele origin: germline.
Comment: The p.L629P variant (also known as c.1886T>C), located in coding exon 13 of the NPAT gene, results from a T to C substitution at nucleotide position 1886. The leucine at codon 629 is replaced by proline, an amino acid with similar properties. This amino acid position is conserved. In addition, this alteration is predicted to be tolerated by in silico analysis. Based on the available evidence, the clinical significance of this variant remains unclear.

NM_002519.3(NPAT):c.1886T>C (p.Leu629Pro)

Gene: NPAT (nuclear protein, coactivator of histone transcription; minus strand). Cytogenetic location: 11q22.3.
Variant type: single nucleotide variant.
Coding change: c.1886T>C on transcript NM_002519.3 (MANE Select); coding-DNA position 1886, T replaced by C.
Protein change: p.Leu629Pro; replaces leucine 629 with proline.
Molecular consequence: missense variant.
Genome position (GRCh38, 1-based): chr11:108,173,098, A>G on the plus strand (T>C on the coding strand, the complement: NPAT is on the minus strand). VCF-style: chr11-108173098-A-G. GRCh37 (hg19) VCF-style: chr11-108043825-A-G.
Other names: c.1886T>C, p.Leu629Pro (NM_001321307.1); short protein forms L629P.
Identifiers: ClinVar variation 3300695 (VCV003300695.1).
Genomic context (GRCh38, chr11:108,173,098, plus strand): 5'-TTTTCTGTATGATTTAACTCAACAGATGCTGAATCATTAGATGGTTGTTTAGTAGAAGAC[A>G]GCGAATCTCCAAGATGAATTTCTACTTGTCCAGATACATTTAAATGTGAACTTTCAACAG-3'
Protein context (NP_002510.2, residues 619-639): GQVEIHLGDS[Leu629Pro]SSTKQPSNDS